The following is an entry in ClinVar:

NC_012920.1(MT-CYB):m.15200G>A

Gene: MT-CYB (mitochondrially encoded cytochrome b; plus strand).
Variant type: single nucleotide variant.
Genome position: chrM-15200-G-A.
Identifiers: ClinVar variation 693838 (VCV000693838.1), dbSNP rs1603225142, ClinGen allele CA913173224.

ClinVar aggregate classification (germline): Uncertain significance (1 of 4 stars; one submission).

Conditions:
Leigh syndrome (NULS). Also called: Leigh's necrotizing encephalopathy; Leigh's disease; Leigh's syndrome; LEIGH SYNDROME, NUCLEAR; Leigh Syndrome (mtDNA deletion); Leigh Disease. Identifiers: Orphanet 506, MedGen C2931891, MONDO:0009723, OMIM 256000.

Submission:

Wong Mito Lab, Molecular and Human Genetics, Baylor College of Medicine
Classification: Uncertain significance for Leigh syndrome. Last evaluated: 2019-10-17. Review status: criteria provided, single submitter. Criteria: Modified ACMG Guidelines (Unpublished). Collection method: clinical testing. Allele origin: germline.
Comment: The NC_012920.1:m.15200G>A (YP_003024038.1:p.Ala152Thr) variant in MTCYB gene is interpretated to be a Uncertain Significance variant based on the modified ACMG guidelines (unpublished). This variant meets the following evidence codes: PP4